The following is an entry in ClinVar:

ClinVar aggregate classification (germline): Pathogenic (1 of 4 stars; one submission).

Conditions:
Nephronophthisis. Also called: Juvenile Nephronophthisis. Identifiers: Orphanet 655, MedGen C0687120, MONDO:0019005, HP:0000090.

Allele frequency attached by ClinVar (database versions not stated): gnomAD exomes below 0.00001.

Submission:

Labcorp Genetics (formerly Invitae), Labcorp
Classification: Pathogenic for Nephronophthisis. Last evaluated: 2023-08-24. Review status: criteria provided, single submitter. Criteria: Invitae Variant Classification Sherloc (09022015). Collection method: clinical testing. Allele origin: germline.
Comment: ClinVar contains an entry for this variant (Variation ID: 1459915). For these reasons, this variant has been classified as Pathogenic. This variant has not been reported in the literature in individuals affected with INVS-related conditions. This variant is not present in population databases (gnomAD no frequency). This sequence change creates a premature translational stop signal (p.Lys792Glufs*18) in the INVS gene. It is expected to result in an absent or disrupted protein product. Loss-of-function variants in INVS are known to be pathogenic (PMID: 12872123).

Literature cited by the submitters: PubMed 12872123.

NM_014425.5(INVS):c.2372dup (p.Lys792fs)

Gene: INVS (inversin; plus strand). Cytogenetic location: 9q31.1.
Variant type: Duplication.
Coding change: c.2372dup on transcript NM_014425.5 (MANE Select); coding-DNA position 2372, one base duplicated (A; older notation c.2372dupA).
Protein change: p.Lys792fs; shifts the reading frame from lysine 792.
Molecular consequence: frameshift variant. On other transcripts: non-coding transcript variant (1).
Genome position (GRCh38, 1-based): chr9:100,292,629, A duplicated. VCF-style (leftmost placement, unchanged base first): chr9-100292628-C-CA. GRCh37 (hg19) VCF-style: chr9-103054910-C-CA.
Other names: c.2084dup, p.Lys696fs (NM_001318381.2); c.1394dup, p.Lys466fs (NM_001318382.2); short protein forms K466fs, K696fs, K792fs.
Identifiers: ClinVar variation 1459915 (VCV001459915.6), dbSNP rs2118762244, ClinGen allele CA2573143646.